The following is an entry in ClinVar:

NM_152419.3(HGSNAT):c.*1212C>T

Gene: HGSNAT (heparan-alpha-glucosaminide N-acetyltransferase; plus strand). Cytogenetic location: 8p11.1.
Variant type: single nucleotide variant.
Coding change: c.*1212C>T on transcript NM_152419.3 (MANE Select); 1212 bases downstream of the stop codon, C replaced by T.
Molecular consequence: 3 prime UTR variant.
Genome position (GRCh38, 1-based): chr8:43,200,781, C>T. VCF-style: chr8-43200781-C-T. GRCh37 (hg19) VCF-style: chr8-43055924-C-T.
Other names: c.*1212C>T (NM_001363227.2, NM_001363228.2, NM_001363229.2).
Identifiers: ClinVar variation 363164 (VCV000363164.5), dbSNP rs186132187, ClinGen allele CA10631153.

ClinVar aggregate classification (germline): Benign (1 of 4 stars; one submission).

Conditions:
Mucopolysaccharidosis, MPS-III-C (MPS3C). Also called: MUCOPOLYSACCHARIDOSIS, TYPE IIIC; Mucopolysaccharidosis type IIIC (Sanfilippo C); MPS IIIC (Sanfilippo Syndrome Type C); SANFILIPPO SYNDROME C; mucopolysaccharidosis type 3C; MPS III C. Identifiers: Orphanet 581, Orphanet 79271, MedGen C0086649, MONDO:0009657, OMIM 252930.

Allele frequency attached by ClinVar (database versions not stated): gnomAD 0.00506 and 0.00520; 1000 Genomes Project 0.00759; TOPMed 0.01005; 1000 Genomes Project 30x 0.00843.

Submission:

Illumina Laboratory Services, Illumina
Classification: Benign for Mucopolysaccharidosis, MPS-III-C. Last evaluated: 2018-01-12. Review status: criteria provided, single submitter. Criteria: ICSL Variant Classification Criteria 13 December 2019. Collection method: clinical testing. Allele origin: germline.
Comment: This variant was observed in the ICSL laboratory as part of a predisposition screen in an ostensibly healthy population. It had not been previously curated by ICSL or reported in the Human Gene Mutation Database (HGMD: prior to June 1st, 2018), and was therefore a candidate for classification through an automated scoring system. Utilizing variant allele frequency, disease prevalence and penetrance estimates, and inheritance mode, an automated score was calculated to assess if this variant is too frequent to cause the disease. Based on the score and internal cut-off values, a variant classified as benign is not then subjected to further curation. The score for this variant resulted in a classification of benign for this disease.